The following is an entry in ClinVar:

NM_000127.3(EXT1):c.535C>G (p.Gln179Glu)

Gene: EXT1 (exostosin glycosyltransferase 1; minus strand). Cytogenetic location: 8q24.11.
Variant type: single nucleotide variant.
Coding change: c.535C>G on transcript NM_000127.3 (MANE Select); coding-DNA position 535, C replaced by G.
Protein change: p.Gln179Glu; replaces glutamine 179 with glutamic acid.
Molecular consequence: missense variant.
Genome position (GRCh38, 1-based): chr8:118,110,512, G>C on the plus strand (C>G on the coding strand, the complement: EXT1 is on the minus strand). VCF-style: chr8-118110512-G-C. GRCh37 (hg19) VCF-style: chr8-119122751-G-C.
Other names: short protein forms Q179E.
Identifiers: ClinVar variation 1925292 (VCV001925292.6), dbSNP rs886039561, ClinGen allele CA371915632.

ClinVar aggregate classification (germline): Uncertain significance. Review status: criteria provided, multiple submitters, no conflicts (2 of 4 stars). 2 submissions from 2 submitters: Uncertain significance (2). Last evaluated 2024-03-28.

Conditions:
Chondrosarcoma. Also called: Chondrosarcoma, somatic. Identifiers: Orphanet 55880, MedGen C0008479, MONDO:0008977, OMIM 215300, HP:0006765.
Exostoses, multiple, type 1 (EXT1). Also called: Hereditary Multiple Osteochondromatosis, Type I; EXOSTOSES, MULTIPLE, TYPE I. Identifiers: MedGen CN263289, MONDO:0007585, OMIM 133700.
Multiple congenital exostosis (EXT). Also called: Multiple osteochondromas; Hereditary multiple osteochondromas; Hereditary multiple exostoses; Hereditary multiple exostosis; MULTIPLE CARTILAGINOUS EXOSTOSES; Multiple exostoses. Identifiers: Orphanet 321, MedGen C0015306, MONDO:0005508, HP:0002762.

Allele frequency attached by ClinVar (database versions not stated): gnomAD exomes below 0.00001; TOPMed below 0.00001.
gnomAD v4.1: 1 of 1,614,120 alleles (0.000062%); highest among the groups gnomAD compares: Non-Finnish European, 0.000085%; no homozygotes.

Submissions (2):

Fulgent Genetics
Classification: Uncertain significance for Exostoses, multiple, type 1; Chondrosarcoma. Last evaluated: 2024-03-28. Review status: criteria provided, single submitter. Criteria: ACMG Guidelines, 2015. Collection method: clinical testing. Allele origin: germline.

Labcorp Genetics (formerly Invitae), Labcorp
Classification: Uncertain significance for Multiple congenital exostosis. Last evaluated: 2022-10-05. Review status: criteria provided, single submitter. Criteria: Invitae Variant Classification Sherloc (09022015). Collection method: clinical testing. Allele origin: germline.
Comment: In summary, the available evidence is currently insufficient to determine the role of this variant in disease. Therefore, it has been classified as a Variant of Uncertain Significance. Advanced modeling of protein sequence and biophysical properties (such as structural, functional, and spatial information, amino acid conservation, physicochemical variation, residue mobility, and thermodynamic stability) performed at Invitae indicates that this missense variant is not expected to disrupt EXT1 protein function. This variant has not been reported in the literature in individuals affected with EXT1-related conditions. This variant is not present in population databases (gnomAD no frequency). This sequence change replaces glutamine, which is neutral and polar, with glutamic acid, which is acidic and polar, at codon 179 of the EXT1 protein (p.Gln179Glu).